The following is an entry in ClinVar:

NM_032888.4(COL27A1):c.2673+4A>G

Gene: COL27A1 (collagen type XXVII alpha 1 chain; plus strand). Cytogenetic location: 9q32.
Variant type: single nucleotide variant.
Coding change: c.2673+4A>G on transcript NM_032888.4 (MANE Select); 4 bases into the intron after coding-DNA position 2673, A replaced by G.
Molecular consequence: intron variant.
Genome position (GRCh38, 1-based): chr9:114,237,038, A>G. VCF-style: chr9-114237038-A-G. GRCh37 (hg19) VCF-style: chr9-116999318-A-G.
Identifiers: ClinVar variation 4530698 (VCV004530698.1).

ClinVar aggregate classification (germline): Likely pathogenic (1 of 4 stars; one submission).

Conditions:
Steel syndrome (STLS). Identifiers: Orphanet 438117, MedGen C3554594, MONDO:0014061, OMIM 615155.

Submission:

Laboratory of Functional Genomics, Research Centre for Medical Genetics
Classification: Likely pathogenic for Steel syndrome. Review status: criteria provided, single submitter. Criteria: ACMG Guidelines, 2015. Collection method: clinical testing. Allele origin: maternal. Affected: yes. Observed: 1 compound heterozygote.
Comment: The analysis demonstrated that the variant causes complete skipping of exon 18, leading to an in-frame deletion of 18 amino acids (p.Gly874_Leu891del) at the protein level. According to ACMG/AMP guidelines (2015) (criteria PM2, PS3) this variant should be classified as likely pathogenic.